The following is an entry in ClinVar:

NM_020987.5(ANK3):c.3785G>A (p.Gly1262Glu)

Gene: ANK3 (ankyrin 3; minus strand). Cytogenetic location: 10q21.2.
Variant type: single nucleotide variant.
Coding change: c.3785G>A on transcript NM_020987.5 (MANE Select); coding-DNA position 3785, G replaced by A.
Protein change: p.Gly1262Glu; replaces glycine 1262 with glutamic acid.
Molecular consequence: missense variant.
Genome position (GRCh38, 1-based): chr10:60,085,217, C>T on the plus strand (G>A on the coding strand, the complement: ANK3 is on the minus strand). VCF-style: chr10-60085217-C-T. GRCh37 (hg19) VCF-style: chr10-61844975-C-T.
Other names: c.1187G>A, p.Gly396Glu (NM_001149.4); c.3767G>A, p.Gly1256Glu (NM_001204403.2); c.3788G>A, p.Gly1263Glu (NM_001204404.2); c.3785G>A, p.Gly1262Glu (NM_001320874.2); c.3785G>A (NM_020987.3); short protein forms G1256E, G1263E, G396E, G1262E.
Identifiers: ClinVar variation 4766904 (VCV004766904.2).

ClinVar aggregate classification (germline): Uncertain significance. Review status: criteria provided, multiple submitters, no conflicts (2 of 4 stars). 2 submissions from 2 submitters: Uncertain significance (2). Last evaluated 2026-08-23.

Conditions:
Inborn genetic diseases. Identifiers: MedGen C0950123, MeSH D030342.

gnomAD v4.1: 3 of 1,613,032 alleles (0.00019%); highest among the groups gnomAD compares: African/African-American, 0.0027%; no homozygotes.

Submissions (2):

Ambry Genetics
Classification: Uncertain significance for Inborn genetic diseases. Last evaluated: 2026-08-23. Review status: criteria provided, single submitter. Criteria: Ambry Variant Classification Scheme 2023. Collection method: clinical testing. Allele origin: germline.
Comment: The c.3785G>A (p.G1262E) alteration is located in exon 31 (coding exon 31) of the ANK3 gene. This alteration results from a G to A substitution at nucleotide position 3785, causing the glycine (G) at amino acid position 1262 to be replaced by a glutamic acid (E). Based on data from gnomAD, the A allele has an overall frequency of <0.001% (1/250090) total alleles studied. The highest observed frequency was 0.006% (1/16186) of African alleles. Based on insufficient or conflicting evidence, the clinical significance of this alteration remains unclear.

Labcorp Genetics (formerly Invitae), Labcorp
Classification: Uncertain significance. Last evaluated: 2025-10-25. Review status: criteria provided, single submitter. Criteria: Invitae Variant Classification Sherloc (09022015). Collection method: clinical testing. Allele origin: germline.
Comment: This sequence change replaces glycine, which is neutral and non-polar, with glutamic acid, which is acidic and polar, at codon 1262 of the ANK3 protein (p.Gly1262Glu). This variant is present in population databases (rs374483310, gnomAD 0.007%). This variant has not been reported in the literature in individuals affected with ANK3-related conditions. Invitae Evidence Modeling of protein sequence and biophysical properties (such as structural, functional, and spatial information, amino acid conservation, physicochemical variation, residue mobility, and thermodynamic stability) has been performed for this missense variant. However, the output from this modeling did not meet the statistical confidence thresholds required to predict the impact of this variant on ANK3 protein function. In summary, the available evidence is currently insufficient to determine the role of this variant in disease. Therefore, it has been classified as a Variant of Uncertain Significance.